The following is an entry in ClinVar:

ClinVar aggregate classification (germline): Likely benign. Review status: criteria provided, multiple submitters, no conflicts (2 of 4 stars). 2 submissions from 2 submitters: Likely benign (2). Last evaluated 2022-11-01.

Allele frequency attached by ClinVar (database versions not stated): gnomAD 0.00059 and 0.00060; ExAC 0.00060; gnomAD exomes 0.00061; TOPMed 0.00064; ESP Exome Variant Server 0.00077.
gnomAD v4.1: 1,611 of 1,612,484 alleles (0.1%); highest among the groups gnomAD compares: Non-Finnish European, 0.12%; 3 homozygotes.

Submissions (2):

CeGaT Center for Human Genetics Tuebingen
Classification: Likely benign. Last evaluated: 2022-11-01. Review status: criteria provided, single submitter. Criteria: CeGaT Center For Human Genetics Tuebingen Variant Classification Criteria Version 2. Collection method: clinical testing. Allele origin: germline. Affected: yes. Observed: 1 variant allele.
Comment: NOS2: BP4, BP7

Labcorp Genetics (formerly Invitae), Labcorp
Classification: Likely benign. Last evaluated: 2018-04-11. Review status: criteria provided, single submitter. Criteria: Invitae Variant Classification Sherloc (09022015). Collection method: clinical testing. Allele origin: germline.

NM_000625.4(NOS2):c.1080C>T (p.Gly360=)

Gene: NOS2 (nitric oxide synthase 2; minus strand). Cytogenetic location: 17q11.2.
Variant type: single nucleotide variant.
Coding change: c.1080C>T on transcript NM_000625.4 (MANE Select); coding-DNA position 1080, C replaced by T.
Protein change: p.Gly360=; no amino-acid change (glycine 360 retained).
Molecular consequence: synonymous variant.
Genome position (GRCh38, 1-based): chr17:27,778,981, G>A on the plus strand (C>T on the coding strand, the complement: NOS2 is on the minus strand). VCF-style: chr17-27778981-G-A. GRCh37 (hg19) VCF-style: chr17-26106007-G-A.
Identifiers: ClinVar variation 712632 (VCV000712632.27), dbSNP rs140983392, ClinGen allele CA8454837.
Genomic context (GRCh38, chr17:27,778,981, plus strand): 5'-GACTCCGATCTCTGTGCCCATGTACCAGCCATTGAAGGGGCACCCTGGGAACTCCAGGCC[G>A]CCCACCTCAAGCAGCATGTTGGCCACTGCAGGCAGGGCGTACCACTTTAGCTCCAGTTCC-3'
Protein context (NP_000616.3, residues 350-370): PAVANMLLEV[Gly360=]GLEFPGCPFN